The following is an entry in ClinVar:

ClinVar aggregate classification (germline): Uncertain significance (1 of 4 stars; one submission).

Submission:

Labcorp Genetics (formerly Invitae), Labcorp
Classification: Uncertain significance. Last evaluated: 2024-11-05. Review status: criteria provided, single submitter. Criteria: Invitae Variant Classification Sherloc (09022015). Collection method: clinical testing. Allele origin: germline.
Comment: This sequence change replaces serine, which is neutral and polar, with threonine, which is neutral and polar, at codon 543 of the PRDM13 protein (p.Ser543Thr). This variant is not present in population databases (gnomAD no frequency). This variant has not been reported in the literature in individuals affected with PRDM13-related conditions. An algorithm developed to predict the effect of missense changes on protein structure and function outputs the following: PolyPhen-2: "Benign". The threonine amino acid residue is found in multiple mammalian species, which suggests that this missense change does not adversely affect protein function. In summary, the available evidence is currently insufficient to determine the role of this variant in disease. Therefore, it has been classified as a Variant of Uncertain Significance.

NM_021620.4(PRDM13):c.1627T>A (p.Ser543Thr)

Gene: PRDM13 (PR/SET domain 13; plus strand). Cytogenetic location: 6q16.2.
Variant type: single nucleotide variant.
Coding change: c.1627T>A on transcript NM_021620.4 (MANE Select); coding-DNA position 1627, T replaced by A.
Protein change: p.Ser543Thr; replaces serine 543 with threonine.
Molecular consequence: missense variant.
Genome position (GRCh38, 1-based): chr6:99,614,262, T>A. VCF-style: chr6-99614262-T-A. GRCh37 (hg19) VCF-style: chr6-100062138-T-A.
Other names: short protein forms S543T.
Identifiers: ClinVar variation 3656505 (VCV003656505.2).